The following is an entry in ClinVar:

ClinVar aggregate classification (germline): Uncertain significance (1 of 4 stars; one submission).

Conditions:
Reticular dysgenesis. Also called: ALEUKOCYTOSIS; CONGENITAL ALEUKIA; HEMATOPOIETIC HYPOPLASIA, GENERALIZED; RETICULAR DYSGENESIA; SEVERE COMBINED IMMUNODEFICIENCY WITH LEUKOPENIA; DeVaal disease. Identifiers: Orphanet 33355, MedGen C0272167, MONDO:0009973, OMIM 267500.

Submission:

Labcorp Genetics (formerly Invitae), Labcorp
Classification: Uncertain significance for Reticular dysgenesis. Last evaluated: 2025-12-09. Review status: criteria provided, single submitter. Criteria: Invitae Variant Classification Sherloc (09022015). Collection method: clinical testing. Allele origin: germline.
Comment: This sequence change replaces cysteine, which is neutral and slightly polar, with glycine, which is neutral and non-polar, at codon 92 of the AK2 protein (p.Cys92Gly). This variant is not present in population databases (gnomAD no frequency). This variant has not been reported in the literature in individuals affected with AK2-related conditions. An algorithm developed to predict the effect of missense changes on protein structure and function (PolyPhen-2) suggests that this variant is likely to be disruptive. In summary, the available evidence is currently insufficient to determine the role of this variant in disease. Therefore, it has been classified as a Variant of Uncertain Significance.

NM_001625.4(AK2):c.274T>G (p.Cys92Gly)

Gene: AK2 (adenylate kinase 2; minus strand). Cytogenetic location: 1p35.1.
Variant type: single nucleotide variant.
Coding change: c.274T>G on transcript NM_001625.4 (MANE Select); coding-DNA position 274, T replaced by G.
Protein change: p.Cys92Gly; replaces cysteine 92 with glycine.
Molecular consequence: missense variant. On other transcripts: non-coding transcript variant (1).
Genome position (GRCh38, 1-based): chr1:33,021,649, A>C on the plus strand (T>G on the coding strand, the complement: AK2 is on the minus strand). VCF-style: chr1-33021649-A-C. GRCh37 (hg19) VCF-style: chr1-33487250-A-C.
Other names: c.274T>G, p.Cys92Gly (NM_001199199.3, NM_001319141.3, NM_001319143.2 and 1 more transcripts); c.130T>G, p.Cys44Gly (NM_001319139.3, NM_001319140.2); c.148T>G, p.Cys50Gly (NM_001319142.3); short protein forms C44G, C50G, C92G.
Identifiers: ClinVar variation 4732357 (VCV004732357.1).
Genomic context (GRCh38, chr1:33,021,649, plus strand): 5'-CCACCATTTCTGCCTGCCTCACAGTCCGAGGGAAGCCATCCAGAAGAAAACCATTTTTGC[A>C]CAAGGGGGTCTCCAAATTCTTCTCAATGAGCTCCACTACCATTTCATCACTCACCTGGAA-3'
Protein context (NP_001616.1, residues 82-102): LIEKNLETPL[Cys92Gly]KNGFLLDGFP